The following is an entry in ClinVar:

NM_017514.5(PLXNA3):c.4881A>G (p.Lys1627=)

Gene: PLXNA3 (plexin A3; plus strand). Cytogenetic location: Xq28.
Variant type: single nucleotide variant.
Coding change: c.4881A>G on transcript NM_017514.5 (MANE Select); coding-DNA position 4881, A replaced by G.
Protein change: p.Lys1627=; no amino-acid change (lysine 1627 retained).
Molecular consequence: synonymous variant.
Genome position (GRCh38, 1-based): chrX:154,470,062, A>G. VCF-style: chrX-154470062-A-G. GRCh37 (hg19) VCF-style: chrX-153698405-A-G.
Identifiers: ClinVar variation 4984006 (VCV004984006.1).
Genomic context (GRCh38, chrX:154,470,062, plus strand): 5'-CCCTGATAGCCTCCGCTCACGGGCACCCATGATTACGCCTGACCAGGAGACAGGCACCAA[A>G]TTGTGGCACCTGGTGAAAAACCACGACCATGCCGACCATCGCGAGGGGGACCGTGGCAGC-3'
Protein context (NP_059984.3, residues 1617-1637): MITPDQETGT[Lys1627=]LWHLVKNHDH

ClinVar aggregate classification (germline): Likely benign (1 of 4 stars; one submission).

Conditions:
PLXNA3-related disorder. Also called: PLXNA3-related condition.

Submission:

PreventionGenetics, part of Exact Sciences
Classification: Likely benign for PLXNA3-related condition. Last evaluated: 2024-11-27. Review status: criteria provided, single submitter. Criteria: ACMG Guidelines, 2015. Collection method: clinical testing. Allele origin: germline.
Comment: This variant is classified as likely benign based on ACMG/AMP sequence variant interpretation guidelines (Richards et al. 2015 PMID: 25741868, with internal and published modifications).